The following is an entry in ClinVar:

ClinVar aggregate classification (germline): Uncertain significance (1 of 4 stars; one submission).

Conditions:
Multiple endocrine neoplasia, type 1 (MEN1). Also called: MEN I; WERMER SYNDROME; Endocrine adenomatosis multiple; MEN 1; MEA I. Identifiers: Orphanet 652, MedGen C0025267, MeSH D018761, MONDO:0007540, OMIM 131100.

Submission:

Labcorp Genetics (formerly Invitae), Labcorp
Classification: Uncertain significance for Multiple endocrine neoplasia, type 1. Last evaluated: 2023-10-29. Review status: criteria provided, single submitter. Criteria: Invitae Variant Classification Sherloc (09022015). Collection method: clinical testing. Allele origin: germline.
Comment: This sequence change replaces leucine, which is neutral and non-polar, with valine, which is neutral and non-polar, at codon 168 of the MEN1 protein (p.Leu168Val). This variant is not present in population databases (gnomAD no frequency). This variant has not been reported in the literature in individuals affected with MEN1-related conditions. ClinVar contains an entry for this variant (Variation ID: 527249). Advanced modeling of protein sequence and biophysical properties (such as structural, functional, and spatial information, amino acid conservation, physicochemical variation, residue mobility, and thermodynamic stability) performed at Invitae indicates that this missense variant is expected to disrupt MEN1 protein function with a positive predictive value of 95%. In summary, the available evidence is currently insufficient to determine the role of this variant in disease. Therefore, it has been classified as a Variant of Uncertain Significance.

NM_001370259.2(MEN1):c.502C>G (p.Leu168Val)

Gene: MEN1 (menin 1; minus strand). Cytogenetic location: 11q13.1.
Variant type: single nucleotide variant.
Coding change: c.502C>G on transcript NM_001370259.2 (MANE Select); coding-DNA position 502, C replaced by G.
Protein change: p.Leu168Val; replaces leucine 168 with valine.
Molecular consequence: missense variant.
Genome position (GRCh38, 1-based): chr11:64,808,043, G>C on the plus strand (C>G on the coding strand, the complement: MEN1 is on the minus strand). VCF-style: chr11-64808043-G-C. GRCh37 (hg19) VCF-style: chr11-64575515-G-C.
Other names: c.517C>G, p.Leu173Val (NM_000244.4, NM_130800.3, NM_130801.3 and 3 more transcripts); c.502C>G, p.Leu168Val (NM_001370251.2, NM_001370260.2, NM_001370261.2 and 3 more transcripts); short protein forms L168V, L173V.
Identifiers: ClinVar variation 527249 (VCV000527249.8), dbSNP rs1555165846, ClinGen allele CA381186060.
Genomic context (GRCh38, chr11:64,808,043, plus strand): 5'-GCCCAAACACTACCCAGGCATGATCCTCAGACAGGGCGAGGTGGACATCCCGGAGACCCA[G>C]GGCCTGGCAGGCCCCAACCACAGCAAAGGCCACACCGGAGCTGTCCAATTTGGTGCCTGT-3'
Protein context (NP_001357188.2, residues 158-178): AFAVVGACQA[Leu168Val]GLRDVHLALS